The following is an entry in ClinVar:

NM_001048174.2(MUTYH):c.514C>A (p.His172Asn)

Gene: MUTYH (mutY DNA glycosylase; minus strand). Cytogenetic location: 1p34.1.
Variant type: single nucleotide variant.
Coding change: c.514C>A on transcript NM_001048174.2 (MANE Select); coding-DNA position 514, C replaced by A.
Protein change: p.His172Asn; replaces histidine 172 with asparagine.
Molecular consequence: missense variant. On other transcripts: non-coding transcript variant (7).
Genome position (GRCh38, 1-based): chr1:45,332,666, G>T on the plus strand (C>A on the coding strand, the complement: MUTYH is on the minus strand). VCF-style: chr1-45332666-G-T. GRCh37 (hg19) VCF-style: chr1-45798338-G-T.
Other names: c.517C>A, p.His173Asn (NM_001048172.2, NM_001407078.1, NM_001407086.1 and 1 more transcripts); c.514C>A, p.His172Asn (NM_001048173.2, NM_001293195.2, NM_001407081.1 and 6 more transcripts); c.598C>A, p.His200Asn (NM_001128425.2); c.559C>A, p.His187Asn (NM_001293190.2); c.547C>A, p.His183Asn (NM_001293191.2, NM_001407069.1, NM_001407077.1); c.238C>A, p.His80Asn (NM_001293192.2, NM_001407091.1, NM_001293196.2); c.475C>A, p.His159Asn (NM_001407079.1); c.472C>A, p.His158Asn (NM_001407080.1); and 5 more; short protein forms H172N, H173N, H179N, H57N, H158N, H186N, H187N, H80N.
Identifiers: ClinVar variation 4113747 (VCV004113747.1).

ClinVar aggregate classification (germline): Uncertain significance (1 of 4 stars; one submission).

Conditions:
Hereditary cancer-predisposing syndrome. Also called: Hereditary neoplastic syndrome; Neoplastic Syndromes, Hereditary; Tumor predisposition; Hereditary Cancer Syndrome. Identifiers: Orphanet 140162, MedGen C0027672, MeSH D009386, MONDO:0015356.

Submission:

Ambry Genetics
Classification: Uncertain significance for Hereditary cancer-predisposing syndrome. Last evaluated: 2025-08-27. Review status: criteria provided, single submitter. Criteria: Ambry Variant Classification Scheme 2023. Collection method: clinical testing. Allele origin: germline.
Comment: The p.H200N variant (also known as c.598C>A), located in coding exon 8 of the MUTYH gene, results from a C to A substitution at nucleotide position 598. The histidine at codon 200 is replaced by asparagine, an amino acid with similar properties. This amino acid position is conserved. In addition, this alteration is predicted to be tolerated by in silico analysis. Based on the available evidence, the clinical significance of this variant remains unclear.